The following is an entry in ClinVar:

ClinVar aggregate classification (germline): Uncertain significance (1 of 4 stars; one submission).

Conditions:
Luscan-Lumish syndrome. Identifiers: Orphanet 597738, MedGen C4085873, MONDO:0014791, OMIM 616831.

Allele frequency attached by ClinVar (database versions not stated): gnomAD exomes below 0.00001 and 0.00001; gnomAD 0.00001; TOPMed 0.00001.
gnomAD v4.1: 6 of 1,611,070 alleles (0.00037%); highest among the groups gnomAD compares: Admixed American, 0.0034%; no homozygotes.

Submission:

Labcorp Genetics (formerly Invitae), Labcorp
Classification: Uncertain significance for Luscan-Lumish syndrome. Last evaluated: 2019-09-23. Review status: criteria provided, single submitter. Criteria: Invitae Variant Classification Sherloc (09022015). Collection method: clinical testing. Allele origin: germline.
Comment: In summary, the available evidence is currently insufficient to determine the role of this variant in disease. Therefore, it has been classified as a Variant of Uncertain Significance. Algorithms developed to predict the effect of missense changes on protein structure and function output the following: SIFT: "Tolerated"; PolyPhen-2: "Benign"; Align-GVGD: "Class C0". The glycine amino acid residue is found in multiple mammalian species, suggesting that this missense change does not adversely affect protein function. These predictions have not been confirmed by published functional studies and their clinical significance is uncertain. This variant has not been reported in the literature in individuals with SETD2-related conditions. This variant is not present in population databases (ExAC no frequency). This sequence change replaces serine with glycine at codon 2327 of the SETD2 protein (p.Ser2327Gly). The serine residue is moderately conserved and there is a small physicochemical difference between serine and glycine.

NM_014159.7(SETD2):c.6979A>G (p.Ser2327Gly)

Gene: SETD2 (SET domain containing 2, histone lysine methyltransferase; minus strand). Cytogenetic location: 3p21.31.
Variant type: single nucleotide variant.
Coding change: c.6979A>G on transcript NM_014159.7 (MANE Select); coding-DNA position 6979, A replaced by G.
Protein change: p.Ser2327Gly; replaces serine 2327 with glycine.
Molecular consequence: missense variant. On other transcripts: non-coding transcript variant (1).
Genome position (GRCh38, 1-based): chr3:47,046,606, T>C on the plus strand (A>G on the coding strand, the complement: SETD2 is on the minus strand). VCF-style: chr3-47046606-T-C. GRCh37 (hg19) VCF-style: chr3-47088096-T-C.
Other names: c.6847A>G, p.Ser2283Gly (NM_001349370.3); short protein forms S2283G, S2327G.
Identifiers: ClinVar variation 963525 (VCV000963525.7), dbSNP rs1468649782, ClinGen allele CA352515716.